The following is an entry in ClinVar:

ClinVar aggregate classification (germline): Uncertain significance (1 of 4 stars; one submission).

Conditions:
Familial hemophagocytic lymphohistiocytosis 5. Also called: STXBP2-Related Familial Hemophagocytic Lymphohistiocytosis (STXBP2-fHLH). Identifiers: Orphanet 540, MedGen C2751293, MONDO:0013135, OMIM 613101.

Allele frequency attached by ClinVar (database versions not stated): TOPMed below 0.00001; gnomAD exomes 0.00001.
gnomAD v4.1: 10 of 1,241,666 alleles (0.00081%); highest among the groups gnomAD compares: Non-Finnish European, 0.00081%; no homozygotes.

Submission:

Labcorp Genetics (formerly Invitae), Labcorp
Classification: Uncertain significance for Familial hemophagocytic lymphohistiocytosis 5. Last evaluated: 2022-06-13. Review status: criteria provided, single submitter. Criteria: Invitae Variant Classification Sherloc (09022015). Collection method: clinical testing. Allele origin: germline.
Comment: This sequence change replaces proline, which is neutral and non-polar, with serine, which is neutral and polar, at codon 3 of the STXBP2 protein (p.Pro3Ser). This variant is not present in population databases (gnomAD no frequency). This variant has not been reported in the literature in individuals affected with STXBP2-related conditions. Algorithms developed to predict the effect of missense changes on protein structure and function are either unavailable or do not agree on the potential impact of this missense change (SIFT: "Tolerated"; PolyPhen-2: "Probably Damaging"; Align-GVGD: "Class C0"). In summary, the available evidence is currently insufficient to determine the role of this variant in disease. Therefore, it has been classified as a Variant of Uncertain Significance.

NM_006949.4(STXBP2):c.7C>T (p.Pro3Ser)

Gene: STXBP2 (syntaxin binding protein 2; plus strand). Cytogenetic location: 19p13.2.
Variant type: single nucleotide variant.
Coding change: c.7C>T on transcript NM_006949.4 (MANE Select); coding-DNA position 7, C replaced by T.
Protein change: p.Pro3Ser; replaces proline 3 with serine.
Molecular consequence: missense variant. On other transcripts: non-coding transcript variant (1).
Genome position (GRCh38, 1-based): chr19:7,637,156, C>T. VCF-style: chr19-7637156-C-T. GRCh37 (hg19) VCF-style: chr19-7702042-C-T.
Other names: c.7C>T, p.Pro3Ser (NM_001127396.3, NM_001272034.2); short protein forms P3S.
Identifiers: ClinVar variation 2108778 (VCV002108778.1), dbSNP rs1015212727, ClinGen allele CA304902724.